The following is an entry in ClinVar:

NM_024757.5(EHMT1):c.770A>C (p.His257Pro)

Gene: EHMT1 (euchromatic histone lysine methyltransferase 1; plus strand). Cytogenetic location: 9q34.3.
Variant type: single nucleotide variant.
Coding change: c.770A>C on transcript NM_024757.5 (MANE Select); coding-DNA position 770, A replaced by C.
Protein change: p.His257Pro; replaces histidine 257 with proline.
Molecular consequence: missense variant.
Genome position (GRCh38, 1-based): chr9:137,728,476, A>C. VCF-style: chr9-137728476-A-C. GRCh37 (hg19) VCF-style: chr9-140622928-A-C.
Other names: c.770A>C, p.His257Pro (NM_001145527.2, NM_001354263.2, NM_001354611.2); c.677A>C, p.His226Pro (NM_001354259.2, NM_001354612.2); short protein forms H226P, H257P.
Identifiers: ClinVar variation 833765 (VCV000833765.16), dbSNP rs370539232, ClinGen allele CA5374404.

ClinVar aggregate classification (germline): Benign/Likely benign. Review status: criteria provided, multiple submitters, no conflicts (2 of 4 stars). 5 submissions from 5 submitters: Benign (1); Likely benign (3). 1 of the submissions does not count toward it. Last evaluated 2025-01-08.

Conditions:
Kleefstra syndrome 1 (KLEFS1). Identifiers: Orphanet 261494, MedGen C0795833, MONDO:0027407, OMIM 610253.
Inborn genetic diseases. Identifiers: MedGen C0950123, MeSH D030342.
EHMT1-related disorder. Also called: EHMT1-related condition.

Allele frequency attached by ClinVar (database versions not stated): ExAC 0.00003; gnomAD 0.00004; TOPMed 0.00006; ESP Exome Variant Server 0.00015.
gnomAD v4.1: 51 of 1,614,010 alleles (0.0032%); highest among the groups gnomAD compares: Non-Finnish European, 0.004%; no homozygotes.

Submissions (5):

Labcorp Genetics (formerly Invitae), Labcorp
Classification: Benign for Kleefstra syndrome 1. Last evaluated: 2025-01-08. Review status: criteria provided, single submitter. Criteria: Invitae Variant Classification Sherloc (09022015). Collection method: clinical testing. Allele origin: germline.

Blueprint Genetics
Classification: Likely benign. Last evaluated: 2024-02-26. Review status: criteria provided, single submitter. Criteria: ACMG Guidelines, 2015. Collection method: clinical testing. Allele origin: germline.

Ambry Genetics
Classification: Likely benign for Inborn genetic diseases. Last evaluated: 2023-06-12. Review status: criteria provided, single submitter. Criteria: Ambry Variant Classification Scheme 2023. Collection method: clinical testing. Allele origin: germline.

GeneDx
Classification: Likely benign. Last evaluated: 2021-05-20. Review status: criteria provided, single submitter. Criteria: GeneDx Variant Classification Process June 2021. Collection method: clinical testing. Allele origin: germline. Affected: yes.

PreventionGenetics, part of Exact Sciences
Classification: Likely benign for EHMT1-related condition. Last evaluated: 2024-02-02. Review status: no assertion criteria provided. Collection method: clinical testing. Allele origin: germline. Not counted in ClinVar's aggregate classification.
Comment: This variant is classified as likely benign based on ACMG/AMP sequence variant interpretation guidelines (Richards et al. 2015 PMID: 25741868, with internal and published modifications).